The following is an entry in ClinVar:

ClinVar aggregate classification (germline): Uncertain significance (1 of 4 stars; one submission).

Conditions:
Spastic paraplegia. Identifiers: MedGen C0037772, HP:0001258.

Allele frequency attached by ClinVar (database versions not stated): gnomAD exomes below 0.00001.
gnomAD v4.1: 1 of 1,614,206 alleles (0.000062%); highest among the groups gnomAD compares: Non-Finnish European, 0.000085%; no homozygotes.

Submission:

Labcorp Genetics (formerly Invitae), Labcorp
Classification: Uncertain significance for Spastic paraplegia. Last evaluated: 2018-05-30. Review status: criteria provided, single submitter. Criteria: Invitae Variant Classification Sherloc (09022015). Collection method: clinical testing. Allele origin: germline.
Comment: Algorithms developed to predict the effect of missense changes on protein structure and function do not agree on the potential impact of this missense change (SIFT: "Tolerated"; PolyPhen-2: "Probably Damaging"; Align-GVGD: "Class C0"). This variant has not been reported in the literature in individuals with GBA2-related disease. In summary, the available evidence is currently insufficient to determine the role of this variant in disease. Therefore, it has been classified as a Variant of Uncertain Significance. This sequence change replaces valine with methionine at codon 647 of the GBA2 protein (p.Val647Met). The valine residue is moderately conserved and there is a small physicochemical difference between valine and methionine. This variant is not present in population databases (ExAC no frequency).

NM_020944.3(GBA2):c.1939G>A (p.Val647Met)

Gene: GBA2 (glucosylceramidase beta 2; minus strand). Cytogenetic location: 9p13.3.
Variant type: single nucleotide variant.
Coding change: c.1939G>A on transcript NM_020944.3 (MANE Select); coding-DNA position 1939, G replaced by A.
Protein change: p.Val647Met; replaces valine 647 with methionine.
Molecular consequence: missense variant.
Genome position (GRCh38, 1-based): chr9:35,738,760, C>T on the plus strand (G>A on the coding strand, the complement: GBA2 is on the minus strand). VCF-style: chr9-35738760-C-T. GRCh37 (hg19) VCF-style: chr9-35738757-C-T.
Other names: c.1939G>A, p.Val647Met (NM_001330660.2); short protein forms V647M.
Identifiers: ClinVar variation 577378 (VCV000577378.8), dbSNP rs1563957812, ClinGen allele CA373409630.